The following is an entry in ClinVar:

ClinVar aggregate classification (germline): Uncertain significance (1 of 4 stars; one submission).

Allele frequency attached by ClinVar (database versions not stated): gnomAD exomes below 0.00001; ExAC 0.00001.

Submission:

Labcorp Genetics (formerly Invitae), Labcorp
Classification: Uncertain significance. Last evaluated: 2022-07-09. Review status: criteria provided, single submitter. Criteria: Invitae Variant Classification Sherloc (09022015). Collection method: clinical testing. Allele origin: germline.
Comment: This sequence change replaces serine, which is neutral and polar, with phenylalanine, which is neutral and non-polar, at codon 888 of the LAMC3 protein (p.Ser888Phe). This variant is not present in population databases (gnomAD no frequency). This variant has not been reported in the literature in individuals affected with LAMC3-related conditions. Algorithms developed to predict the effect of missense changes on protein structure and function (SIFT, PolyPhen-2, Align-GVGD) all suggest that this variant is likely to be tolerated. In summary, the available evidence is currently insufficient to determine the role of this variant in disease. Therefore, it has been classified as a Variant of Uncertain Significance.

NM_006059.4(LAMC3):c.2663C>T (p.Ser888Phe)

Gene: LAMC3 (laminin subunit gamma 3; plus strand). Cytogenetic location: 9q34.12.
Variant type: single nucleotide variant.
Coding change: c.2663C>T on transcript NM_006059.4 (MANE Select); coding-DNA position 2663, C replaced by T.
Protein change: p.Ser888Phe; replaces serine 888 with phenylalanine.
Molecular consequence: missense variant.
Genome position (GRCh38, 1-based): chr9:131,068,147, C>T. VCF-style: chr9-131068147-C-T. GRCh37 (hg19) VCF-style: chr9-133943534-C-T.
Other names: short protein forms S888F.
Identifiers: ClinVar variation 2015514 (VCV002015514.4), dbSNP rs764269092, ClinGen allele CA5287525.